The following is an entry in ClinVar:

ClinVar aggregate classification (germline): Uncertain significance. Review status: criteria provided, multiple submitters, no conflicts (2 of 4 stars). 2 submissions from 2 submitters: Uncertain significance (2). Last evaluated 2025-11-17.

Allele frequency attached by ClinVar (database versions not stated): ExAC 0.00001; gnomAD 0.00001.

Submissions (2):

Labcorp Genetics (formerly Invitae), Labcorp
Classification: Uncertain significance. Last evaluated: 2025-11-17. Review status: criteria provided, single submitter. Criteria: Invitae Variant Classification Sherloc (09022015). Collection method: clinical testing. Allele origin: germline.
Comment: This sequence change replaces alanine, which is neutral and non-polar, with threonine, which is neutral and polar, at codon 160 of the TNFRSF6B protein (p.Ala160Thr). The frequency data for this variant in the population databases is considered unreliable, as metrics indicate poor data quality at this position in the gnomAD database. This variant has not been reported in the literature in individuals affected with TNFRSF6B-related conditions. ClinVar contains an entry for this variant (Variation ID: 2314998). An algorithm developed to predict the effect of missense changes on protein structure and function outputs the following: PolyPhen-2: "Benign". The threonine amino acid residue is found in multiple mammalian species, which suggests that this missense change does not adversely affect protein function. In summary, the available evidence is currently insufficient to determine the role of this variant in disease. Therefore, it has been classified as a Variant of Uncertain Significance.

Ambry Genetics
Classification: Uncertain significance. Last evaluated: 2022-10-03. Review status: criteria provided, single submitter. Criteria: Ambry Variant Classification Scheme 2023. Collection method: clinical testing. Allele origin: germline.

NM_003823.4(TNFRSF6B):c.478G>A (p.Ala160Thr)

Genes: RTEL1-TNFRSF6B (RTEL1-TNFRSF6B readthrough (NMD candidate); plus strand), TNFRSF6B (TNF receptor superfamily member 6b; plus strand). Cytogenetic location: 20q13.33.
Variant type: single nucleotide variant.
Coding change: c.478G>A on transcript NM_003823.4 (MANE Select); coding-DNA position 478, G replaced by A.
Protein change: p.Ala160Thr; replaces alanine 160 with threonine.
Molecular consequence: missense variant. On other transcripts: non-coding transcript variant (1).
Genome position (GRCh38, 1-based): chr20:63,697,381, G>A. VCF-style: chr20-63697381-G-A. GRCh37 (hg19) VCF-style: chr20-62328734-G-A.
Other names: short protein forms A160T.
Identifiers: ClinVar variation 2314998 (VCV002314998.5), dbSNP rs747836908, ClinGen allele CA9966478.
Genomic context (GRCh38, chr20:63,697,381, plus strand): 5'-GCTGCAGGCACCCCCAGCCAGAACACGCAGTGCCAGCCGTGCCCCCCAGGCACCTTCTCA[G>A]CCAGCAGCTCCAGCTCAGAGCAGTGCCAGCCCCACCGCAACTGCACGGCCCTGGGCCTGG-3'
Protein context (NP_003814.1, residues 150-170): CQPCPPGTFS[Ala160Thr]SSSSSEQCQP